The following is an entry in ClinVar:

NM_002529.4(NTRK1):c.1617G>A (p.Met539Ile)

Gene: NTRK1 (neurotrophic receptor tyrosine kinase 1; plus strand). Cytogenetic location: 1q23.1.
Variant type: single nucleotide variant.
Coding change: c.1617G>A on transcript NM_002529.4 (MANE Select); coding-DNA position 1617, G replaced by A.
Protein change: p.Met539Ile; replaces methionine 539 with isoleucine.
Molecular consequence: missense variant.
Genome position (GRCh38, 1-based): chr1:156,876,195, G>A. VCF-style: chr1-156876195-G-A. GRCh37 (hg19) VCF-style: chr1-156845987-G-A.
Other names: c.1509G>A, p.Met503Ile (NM_001007792.1); c.1599G>A, p.Met533Ile (NM_001012331.2); short protein forms M539I, M503I, M533I.
Identifiers: ClinVar variation 859106 (VCV000859106.7), dbSNP rs1647892453, ClinGen allele CA342938234.

ClinVar aggregate classification (germline): Uncertain significance. Review status: criteria provided, multiple submitters, no conflicts (2 of 4 stars). 2 submissions from 2 submitters: Uncertain significance (2). Last evaluated 2024-09-10.

Conditions:
Inborn genetic diseases. Identifiers: MedGen C0950123, MeSH D030342.
Hereditary insensitivity to pain with anhidrosis (CIPA). Also called: FAMILIAL DYSAUTONOMIA, TYPE II; INSENSITIVITY TO PAIN, CONGENITAL, WITH ANHIDROSIS; NEUROPATHY, CONGENITAL SENSORY, WITH ANHIDROSIS; hereditary sensory and autonomic neuropathy type 4; HSAN Type IV; NTRK1 Congenital Insensitivity to Pain with Anhidrosis. Identifiers: Orphanet 642, MedGen C0020074, MONDO:0009746, OMIM 256800.

Allele frequency attached by ClinVar (database versions not stated): gnomAD exomes below 0.00001; gnomAD 0.00001; TOPMed 0.00001.
gnomAD v4.1: 4 of 1,613,992 alleles (0.00025%); highest among the groups gnomAD compares: Admixed American, 0.0033%; no homozygotes.

Submissions (2):

Ambry Genetics
Classification: Uncertain significance for Inborn genetic diseases. Last evaluated: 2024-09-10. Review status: criteria provided, single submitter. Criteria: Ambry Variant Classification Scheme 2023. Collection method: clinical testing. Allele origin: germline.

Labcorp Genetics (formerly Invitae), Labcorp
Classification: Uncertain significance for Hereditary insensitivity to pain with anhidrosis. Last evaluated: 2021-09-01. Review status: criteria provided, single submitter. Criteria: Invitae Variant Classification Sherloc (09022015). Collection method: clinical testing. Allele origin: germline.
Comment: This sequence change replaces methionine with isoleucine at codon 533 of the NTRK1 protein (p.Met533Ile). The methionine residue is highly conserved and there is a small physicochemical difference between methionine and isoleucine. This variant is not present in population databases (ExAC no frequency). This variant has not been reported in the literature in individuals affected with NTRK1-related conditions. Algorithms developed to predict the effect of missense changes on protein structure and function are either unavailable or do not agree on the potential impact of this missense change (SIFT: "Tolerated"; PolyPhen-2: "Possibly Damaging"; Align-GVGD: "Class C0"). In summary, the available evidence is currently insufficient to determine the role of this variant in disease. Therefore, it has been classified as a Variant of Uncertain Significance.